The following is an entry in ClinVar:

ClinVar aggregate classification (germline): Uncertain significance (1 of 4 stars; one submission).

Submission:

Labcorp Genetics (formerly Invitae), Labcorp
Classification: Uncertain significance. Last evaluated: 2021-06-16. Review status: criteria provided, single submitter. Criteria: Invitae Variant Classification Sherloc (09022015). Collection method: clinical testing. Allele origin: germline.
Comment: This sequence change replaces proline with serine at codon 653 of the AP3D1 protein (p.Pro653Ser). The proline residue is weakly conserved and there is a moderate physicochemical difference between proline and serine. The frequency data for this variant in the population databases is not available, as this variant may be reported as separate entries in the ExAC database. This variant has not been reported in the literature in individuals with AP3D1-related conditions. Experimental studies and prediction algorithms are not available or were not evaluated, and the functional significance of this variant is currently unknown. In summary, the available evidence is currently insufficient to determine the role of this variant in disease. Therefore, it has been classified as a Variant of Uncertain Significance.

NM_001261826.3(AP3D1):c.1956_1957delinsCT (p.Pro653Ser)

Gene: AP3D1 (adaptor related protein complex 3 subunit delta 1; minus strand). Cytogenetic location: 19p13.3.
Variant type: Indel.
Coding change: c.1956_1957delinsCT on transcript NM_001261826.3 (MANE Select); coding-DNA positions 1956 to 1957, TC replaced by CT.
Protein change: p.Pro653Ser; replaces proline 653 with serine.
Molecular consequence: missense variant.
Genome position (GRCh38, 1-based): chr19:2,116,649-2,116,650, GA replaced by AG on the plus strand (TC replaced by CT on the coding strand, the reverse complement: AP3D1 is on the minus strand). VCF-style: chr19-2116649-GA-AG. GRCh37 (hg19) VCF-style: chr19-2116648-GA-AG.
Other names: c.1956_1957delinsCT, p.Pro653Ser (NM_001374799.1, NM_003938.8); short protein forms P653S.
Identifiers: ClinVar variation 1488548 (VCV001488548.6), dbSNP rs2145047371, ClinGen allele CA2573155824.